The following is an entry in ClinVar:

NM_002485.5(NBN):c.1621G>C (p.Ala541Pro)

Gene: NBN (nibrin; minus strand). Cytogenetic location: 8q21.3.
Variant type: single nucleotide variant.
Coding change: c.1621G>C on transcript NM_002485.5 (MANE Select); coding-DNA position 1621, G replaced by C.
Protein change: p.Ala541Pro; replaces alanine 541 with proline.
Molecular consequence: missense variant.
Genome position (GRCh38, 1-based): chr8:89,953,468, C>G on the plus strand (G>C on the coding strand, the complement: NBN is on the minus strand). VCF-style: chr8-89953468-C-G. GRCh37 (hg19) VCF-style: chr8-90965696-C-G.
Other names: c.1375G>C, p.Ala459Pro (NM_001024688.3); short protein forms A459P, A541P.
Identifiers: ClinVar variation 2834041 (VCV002834041.3), dbSNP rs2129700021, ClinGen allele CA371655461.

ClinVar aggregate classification (germline): Uncertain significance (1 of 4 stars; one submission).

Conditions:
Microcephaly, normal intelligence and immunodeficiency (NBS). Also called: IMMUNODEFICIENCY, MICROCEPHALY, AND CHROMOSOMAL INSTABILITY; SEEMANOVA SYNDROME II; Immunodeficiency, microcephaly with normal intelligence; Nijmegen breakage syndrome; Microcephaly with normal intelligence immunodeficiency and lymphoreticular malignancies; Nonsyndromal microcephaly autosomal recessive with normal intelligence. Identifiers: Orphanet 647, MedGen C0398791, MONDO:0009623, OMIM 251260.

Submission:

Labcorp Genetics (formerly Invitae), Labcorp
Classification: Uncertain significance for Microcephaly, normal intelligence and immunodeficiency. Last evaluated: 2023-02-03. Review status: criteria provided, single submitter. Criteria: Invitae Variant Classification Sherloc (09022015). Collection method: clinical testing. Allele origin: germline.
Comment: This sequence change replaces alanine, which is neutral and non-polar, with proline, which is neutral and non-polar, at codon 541 of the NBN protein (p.Ala541Pro). This variant is not present in population databases (gnomAD no frequency). This variant has not been reported in the literature in individuals affected with NBN-related conditions. Algorithms developed to predict the effect of missense changes on protein structure and function output the following: SIFT: "Tolerated"; PolyPhen-2: "Benign"; Align-GVGD: "Class C0". The proline amino acid residue is found in multiple mammalian species, which suggests that this missense change does not adversely affect protein function. In summary, the available evidence is currently insufficient to determine the role of this variant in disease. Therefore, it has been classified as a Variant of Uncertain Significance.